The following is an entry in ClinVar:

ClinVar aggregate classification (germline): Conflicting classifications of pathogenicity. Review status: criteria provided, conflicting classifications (1 of 4 stars). 8 submissions from 8 submitters: Uncertain significance (1); Benign (1); Likely benign (6). Last evaluated 2026-01-26.

Conditions:
Hereditary cancer-predisposing syndrome. Also called: Hereditary Cancer Syndrome; Tumor predisposition; Hereditary neoplastic syndrome; Neoplastic Syndromes, Hereditary. Identifiers: Orphanet 140162, MedGen C0027672, MeSH D009386, MONDO:0015356.
Tuberous sclerosis syndrome (TSC). Also called: Tuberous Sclerosis Complex; Tuberous sclerosis. Identifiers: Orphanet 805, MedGen C0041341, MONDO:0001734.
Tuberous sclerosis 2 (TSC2). Identifiers: Orphanet 805, MedGen C1860707, MONDO:0013199, OMIM 613254.

Allele frequency attached by ClinVar (database versions not stated): gnomAD exomes 0.00001 and 0.00002; gnomAD 0.00002; TOPMed 0.00002.
gnomAD v4.1: 37 of 1,567,990 alleles (0.0024%); highest among the groups gnomAD compares: Non-Finnish European, 0.0029%; no homozygotes.

Submissions (8):

Labcorp Genetics (formerly Invitae), Labcorp
Classification: Likely benign for Tuberous sclerosis 2. Last evaluated: 2026-01-26. Review status: criteria provided, single submitter. Criteria: Invitae Variant Classification Sherloc (09022015). Collection method: clinical testing. Allele origin: germline.

Myriad Genetics, Inc.
Classification: Likely benign for Tuberous sclerosis 2. Last evaluated: 2025-05-02. Review status: criteria provided, single submitter. Criteria: Myriad Autosomal Dominant, Autosomal Recessive and X-Linked Classification Criteria (2023). Collection method: clinical testing. Allele origin: unknown.
Comment: This variant is considered likely benign. This variant is intronic and is not expected to impact mRNA splicing.

Blueprint Genetics
Classification: Likely benign. Last evaluated: 2024-01-29. Review status: criteria provided, single submitter. Criteria: ACMG Guidelines, 2015. Collection method: clinical testing. Allele origin: germline.

Color Diagnostics, LLC DBA Color Health
Classification: Likely benign for Tuberous sclerosis syndrome. Last evaluated: 2022-09-08. Review status: criteria provided, single submitter. Criteria: ACMG Guidelines, 2015. Collection method: clinical testing. Allele origin: germline.

Sema4
Classification: Uncertain significance for Hereditary cancer-predisposing syndrome. Last evaluated: 2021-11-15. Review status: criteria provided, single submitter. Criteria: Sema4 Curation Guidelines. Collection method: curation. Allele origin: germline.
Comment: The TSC2 c.226-13C>T variant has not been reported in the literature to our knowledge. It was observed in 1/75930 chromosomes of the European (non-Finnish) subpopulation in the large and broad cohorts of the Genome Aggregation Database (PMID: 32461654), and has been reported in ClinVar (Variation ID 256624). In silico tools suggest the variant may not disrupt normal splicing, though these predictions have not been confirmed by functional studies. The evidence is insufficient to meet ACMG/AMP criteria for classifying the variant as benign or pathogenic. Thus, the clinical significance of this variant is currently uncertain.

Genome-Nilou Lab
Classification: Benign for Tuberous sclerosis 2. Last evaluated: 2021-11-07. Review status: criteria provided, single submitter. Criteria: ACMG Guidelines, 2015. Collection method: clinical testing. Allele origin: germline. Affected: no.

GeneDx
Classification: Likely benign. Last evaluated: 2020-11-27. Review status: criteria provided, single submitter. Criteria: GeneDx Variant Classification Process June 2021. Collection method: clinical testing. Allele origin: germline. Affected: yes.

PreventionGenetics, part of Exact Sciences
Classification: Likely benign. Review status: criteria provided, single submitter. Criteria: ACMG Guidelines, 2015. Collection method: clinical testing. Allele origin: germline.

NM_000548.5(TSC2):c.226-13C>T

Gene: TSC2 (TSC complex subunit 2; plus strand). Cytogenetic location: 16p13.3.
Variant type: single nucleotide variant.
Coding change: c.226-13C>T on transcript NM_000548.5 (MANE Select); 13 bases into the intron before coding-DNA position 226, C replaced by T.
Molecular consequence: intron variant.
Genome position (GRCh38, 1-based): chr16:2,053,329, C>T. VCF-style: chr16-2053329-C-T. GRCh37 (hg19) VCF-style: chr16-2103330-C-T.
Other names: c.226-13C>T (NM_001114382.3, NM_021055.3, NM_001370405.1 and 3 more transcripts); c.226-967C>T (NM_001318827.2); c.-2+2843C>T (NM_001318831.2); c.79-13C>T (NM_001318829.2); c.259-13C>T (NM_001318832.2).
Identifiers: ClinVar variation 256624 (VCV000256624.16), dbSNP rs886038353, ClinGen allele CA10587221.
Genomic context (GRCh38, chr16:2,053,329, plus strand): 5'-GCACTGCTCCAGTTGCCGGGGCCAGGGTTCTTGGAGAGCACATCCTCACCGCTGTCCCCT[C>T]TGCTGGTGACAGCACGCAGTGGAAGCACTCTGGAAGGCGGTCGCGGATCTGTTGCAGCCG-3'